The following is an entry in ClinVar:

NM_005732.4(RAD50):c.548C>G (p.Thr183Arg)

Gene: RAD50 (RAD50 double strand break repair protein; plus strand). Cytogenetic location: 5q31.1.
Variant type: single nucleotide variant.
Coding change: c.548C>G on transcript NM_005732.4 (MANE Select); coding-DNA position 548, C replaced by G.
Protein change: p.Thr183Arg; replaces threonine 183 with arginine.
Molecular consequence: missense variant.
Genome position (GRCh38, 1-based): chr5:132,579,499, C>G. VCF-style: chr5-132579499-C-G. GRCh37 (hg19) VCF-style: chr5-131915191-C-G.
Other names: short protein forms T183R.
Identifiers: ClinVar variation 2745945 (VCV002745945.3), dbSNP rs1554097784, ClinGen allele CA360935239.

ClinVar aggregate classification (germline): Uncertain significance (1 of 4 stars; one submission).

Conditions:
Hereditary cancer-predisposing syndrome. Also called: Hereditary Cancer Syndrome; Neoplastic Syndromes, Hereditary; Tumor predisposition; Hereditary neoplastic syndrome. Identifiers: Orphanet 140162, MedGen C0027672, MeSH D009386, MONDO:0015356.

Submission:

Labcorp Genetics (formerly Invitae), Labcorp
Classification: Uncertain significance for Hereditary cancer-predisposing syndrome. Last evaluated: 2023-07-22. Review status: criteria provided, single submitter. Criteria: Invitae Variant Classification Sherloc (09022015). Collection method: clinical testing. Allele origin: germline.
Comment: This variant is not present in population databases (gnomAD no frequency). This sequence change replaces threonine, which is neutral and polar, with arginine, which is basic and polar, at codon 183 of the RAD50 protein (p.Thr183Arg). This variant has not been reported in the literature in individuals affected with RAD50-related conditions. In summary, the available evidence is currently insufficient to determine the role of this variant in disease. Therefore, it has been classified as a Variant of Uncertain Significance. Advanced modeling of protein sequence and biophysical properties (such as structural, functional, and spatial information, amino acid conservation, physicochemical variation, residue mobility, and thermodynamic stability) performed at Invitae indicates that this missense variant is expected to disrupt RAD50 protein function.